The following is an entry in ClinVar:

ClinVar aggregate classification (germline): Uncertain significance (1 of 4 stars; one submission).

Conditions:
Developmental and epileptic encephalopathy, 53. Also called: Epileptic encephalopathy, early infantile, 53. Identifiers: MedGen C4479313, MONDO:0033362, OMIM 617389.
Early-onset Parkinson disease 20. Also called: PARKINSON DISEASE 20, AUTOSOMAL RECESSIVE EARLY-ONSET. Identifiers: Orphanet 391411, MedGen C3809824, MONDO:0014233, OMIM 615530.

Allele frequency attached by ClinVar (database versions not stated): gnomAD exomes below 0.00001; gnomAD 0.00002; TOPMed 0.00002.
gnomAD v4.1: 6 of 1,614,054 alleles (0.00037%); highest among the groups gnomAD compares: African/African-American, 0.004%; no homozygotes.

Submission:

Labcorp Genetics (formerly Invitae), Labcorp
Classification: Uncertain significance for Developmental and epileptic encephalopathy, 53; Early-onset Parkinson disease 20. Last evaluated: 2021-08-30. Review status: criteria provided, single submitter. Criteria: Invitae Variant Classification Sherloc (09022015). Collection method: clinical testing. Allele origin: germline.
Comment: This sequence change replaces tyrosine with cysteine at codon 49 of the SYNJ1 protein (p.Tyr49Cys). The tyrosine residue is moderately conserved and there is a large physicochemical difference between tyrosine and cysteine. This variant is not present in population databases (ExAC no frequency). This variant has not been reported in the literature in individuals affected with SYNJ1-related conditions. Algorithms developed to predict the effect of missense changes on protein structure and function (SIFT, PolyPhen-2, Align-GVGD) all suggest that this variant is likely to be disruptive. In summary, the available evidence is currently insufficient to determine the role of this variant in disease. Therefore, it has been classified as a Variant of Uncertain Significance.

NM_203446.3(SYNJ1):c.29A>G (p.Tyr10Cys)

Gene: SYNJ1 (synaptojanin 1; minus strand). Cytogenetic location: 21q22.11.
Variant type: single nucleotide variant.
Coding change: c.29A>G on transcript NM_203446.3 (MANE Select); coding-DNA position 29, A replaced by G.
Protein change: p.Tyr10Cys; replaces tyrosine 10 with cysteine.
Molecular consequence: missense variant.
Genome position (GRCh38, 1-based): chr21:32,726,867, T>C on the plus strand (A>G on the coding strand, the complement: SYNJ1 is on the minus strand). VCF-style: chr21-32726867-T-C. GRCh37 (hg19) VCF-style: chr21-34099178-T-C.
Other names: c.29A>G, p.Tyr10Cys (NM_001160302.2, NM_001160306.2); c.146A>G, p.Tyr49Cys (NM_003895.4); short protein forms Y10C, Y49C.
Identifiers: ClinVar variation 848124 (VCV000848124.7), dbSNP rs967674859, ClinGen allele CA319436032.